The following is an entry in ClinVar:

NM_001271.4(CHD2):c.3237+64A>T

Gene: CHD2 (chromodomain helicase DNA binding protein 2; plus strand). Cytogenetic location: 15q26.1.
Variant type: single nucleotide variant.
Coding change: c.3237+64A>T on transcript NM_001271.4 (MANE Select); 64 bases into the intron after coding-DNA position 3237, A replaced by T.
Molecular consequence: intron variant.
Genome position (GRCh38, 1-based): chr15:92,984,564, A>T. VCF-style: chr15-92984564-A-T. GRCh37 (hg19) VCF-style: chr15-93527794-A-T.
Identifiers: ClinVar variation 678928 (VCV000678928.4), dbSNP rs2272459, ClinGen allele CA14125114.

ClinVar aggregate classification (germline): Benign. Review status: criteria provided, multiple submitters, no conflicts (2 of 4 stars). 3 submissions from 3 submitters: Benign (3). Last evaluated 2024-07-31.

Allele frequency attached by ClinVar (database versions not stated): 1000 Genomes Project 30x 0.18082; 1000 Genomes Project 0.18351; gnomAD 0.21982 and 0.22173; TOPMed 0.22550; gnomAD exomes 0.26285.
gnomAD v4.1: 371,313 of 1,439,016 alleles (26%); highest among the groups gnomAD compares: Middle Eastern, 36%; 50,330 homozygotes.

Submissions (3):

Unidad de Genómica Garrahan, Hospital de Pediatría Garrahan
Classification: Benign. Last evaluated: 2024-07-31. Review status: criteria provided, single submitter. Criteria: ACMG Guidelines, 2015. Collection method: clinical testing. Allele origin: germline. Affected: no. Observed: 38 variant alleles.
Comment: This variant is classified as Benign based on local population frequency. This variant was detected in 41% of patients studied in a panel designed for Epileptic and Developmental Encephalopathy, Progressive Myoclonus Epilepsy and Abnormal Movements and Neurodegeneration with brain iron accumulation. Number of patients: 38. Only high quality variants are reported.

GeneDx
Classification: Benign. Last evaluated: 2018-06-18. Review status: criteria provided, single submitter. Criteria: GeneDx Variant Classification (06012015). Collection method: clinical testing. Allele origin: germline. Affected: yes.
Comment: This variant is considered likely benign or benign based on one or more of the following criteria: it is a conservative change, it occurs at a poorly conserved position in the protein, it is predicted to be benign by multiple in silico algorithms, and/or has population frequency not consistent with disease.

Breakthrough Genomics
Classification: Benign. Review status: criteria provided, single submitter. Criteria: ACMG Guidelines, 2015. Collection method: not provided. Allele origin: germline. Inheritance: Autosomal dominant inheritance. Affected: yes.